The following is an entry in ClinVar:

NM_025216.3(WNT10A):c.1130_1156dup (p.Arg385_Gln386insArgGlyArgGlyHisAsnIleLeuArg)

Gene: WNT10A (Wnt family member 10A; plus strand). Cytogenetic location: 2q35.
Variant type: Duplication.
Coding change: c.1130_1156dup on transcript NM_025216.3 (MANE Select); coding-DNA positions 1130 to 1156, 27 bases duplicated (GCGGCCGCGGCCACAACATCCTGCGCC).
Protein change: p.Arg385_Gln386insArgGlyArgGlyHisAsnIleLeuArg.
Genome position (GRCh38, 1-based): chr2:218,893,147-218,893,173, GCGGCCGCGGCCACAACATCCTGCGCC duplicated. VCF-style (leftmost placement, unchanged base first): chr2-218893146-T-TGCGGCCGCGGCCACAACATCCTGCGCC. GRCh37 (hg19) VCF-style: chr2-219757868-T-TGCGGCCGCGGCCACAACATCCTGCGCC.
Identifiers: ClinVar variation 3470792 (VCV003470792.1).

ClinVar aggregate classification (germline): Uncertain significance (1 of 4 stars; one submission).

Conditions:
Inborn genetic diseases. Identifiers: MedGen C0950123, MeSH D030342.

Submission:

Ambry Genetics
Classification: Uncertain significance for Inborn genetic diseases. Last evaluated: 2024-11-04. Review status: criteria provided, single submitter. Criteria: Ambry Variant Classification Scheme 2023. Collection method: clinical testing. Allele origin: germline.
Comment: The c.1130_1156dupGCGGCCGCGGCCACAACATCCTGCGCC (p.R385_Q386insRGRGHNILR) alteration, located in coding exon 4 of the WNT10A gene, results from an in-frame duplication of 27 nucleotides at positions 1130 to 1156. This results in the insertion of 9 amino acids between codons 385 and 386. This variant was not reported in population-based cohorts in the Genome Aggregation Database (gnomAD). This amino acid position is not well conserved in available vertebrate species. This alteration is predicted to be deleterious by in silico analysis (Choi, 2012). Based on insufficient or conflicting evidence, the clinical significance of this alteration remains unclear.